The following is an entry in ClinVar:

NM_001243925.2(MAPKAPK3):c.360-17A>C

Gene: MAPKAPK3 (MAPK activated protein kinase 3; plus strand). Cytogenetic location: 3p21.2.
Variant type: single nucleotide variant.
Coding change: c.360-17A>C on transcript NM_001243925.2 (MANE Select); 17 bases into the intron before coding-DNA position 360, A replaced by C.
Molecular consequence: intron variant.
Genome position (GRCh38, 1-based): chr3:50,641,690, A>C. VCF-style: chr3-50641690-A-C. GRCh37 (hg19) VCF-style: chr3-50679121-A-C.
Other names: c.360-17A>C (NM_001243926.2, NM_004635.5).
Identifiers: ClinVar variation 2812026 (VCV002812026.3), dbSNP rs2471699274, ClinGen allele CA2739279925.

ClinVar aggregate classification (germline): Uncertain significance (1 of 4 stars; one submission).

Submission:

Labcorp Genetics (formerly Invitae), Labcorp
Classification: Uncertain significance. Last evaluated: 2022-11-04. Review status: criteria provided, single submitter. Criteria: Invitae Variant Classification Sherloc (09022015). Collection method: clinical testing. Allele origin: germline.
Comment: In summary, the available evidence is currently insufficient to determine the role of this variant in disease. Therefore, it has been classified as a Variant of Uncertain Significance. Algorithms developed to predict the effect of sequence changes on RNA splicing suggest that this variant may disrupt the consensus splice site. This variant has not been reported in the literature in individuals affected with MAPKAPK3-related conditions. This variant is not present in population databases (gnomAD no frequency). This sequence change falls in intron 5 of the MAPKAPK3 gene. It does not directly change the encoded amino acid sequence of the MAPKAPK3 protein.